The following is an entry in ClinVar:

NM_018263.6(ASXL2):c.144T>C (p.Ser48=)

Gene: ASXL2 (ASXL transcriptional regulator 2; minus strand). Cytogenetic location: 2p23.3.
Variant type: single nucleotide variant.
Coding change: c.144T>C on transcript NM_018263.6 (MANE Select); coding-DNA position 144, T replaced by C.
Protein change: p.Ser48=; no amino-acid change (serine 48 retained).
Molecular consequence: synonymous variant. On other transcripts: 5 prime UTR variant (1).
Genome position (GRCh38, 1-based): chr2:25,806,337, A>G on the plus strand (T>C on the coding strand, the complement: ASXL2 is on the minus strand). VCF-style: chr2-25806337-A-G. GRCh37 (hg19) VCF-style: chr2-26029206-A-G.
Other names: c.-31T>C (NM_001369346.1).
Identifiers: ClinVar variation 3130595 (VCV003130595.3), dbSNP rs373235127, ClinGen allele CA1558132.

ClinVar aggregate classification (germline): Conflicting classifications of pathogenicity. Review status: criteria provided, conflicting classifications (1 of 4 stars). 2 submissions from 2 submitters: Uncertain significance (1); Likely benign (1). Last evaluated 2024-12-31.

Conditions:
Inborn genetic diseases. Identifiers: MedGen C0950123, MeSH D030342.

Allele frequency attached by ClinVar (database versions not stated): gnomAD exomes below 0.00001; TOPMed below 0.00001; ExAC 0.00001; gnomAD 0.00002; ESP Exome Variant Server 0.00008.
gnomAD v4.1: 7 of 1,603,890 alleles (0.00044%); highest among the groups gnomAD compares: Non-Finnish European, 0.00051%; no homozygotes.

Submissions (2):

Labcorp Genetics (formerly Invitae), Labcorp
Classification: Uncertain significance. Last evaluated: 2024-12-31. Review status: criteria provided, single submitter. Criteria: Invitae Variant Classification Sherloc (09022015). Collection method: clinical testing. Allele origin: germline.
Comment: This sequence change affects codon 48 of the ASXL2 mRNA. It is a 'silent' change, meaning that it does not change the encoded amino acid sequence of the ASXL2 protein. It affects a nucleotide within the consensus splice site. The frequency data for this variant in the population databases is considered unreliable, as metrics indicate poor data quality at this position in the gnomAD database. This variant has not been reported in the literature in individuals affected with ASXL2-related conditions. ClinVar contains an entry for this variant (Variation ID: 3130595). Algorithms developed to predict the effect of sequence changes on RNA splicing suggest that this variant is not likely to affect RNA splicing. In summary, the available evidence is currently insufficient to determine the role of this variant in disease. Therefore, it has been classified as a Variant of Uncertain Significance.

Ambry Genetics
Classification: Likely benign for Inborn genetic diseases. Last evaluated: 2023-12-21. Review status: criteria provided, single submitter. Criteria: Ambry Variant Classification Scheme 2023. Collection method: clinical testing. Allele origin: germline.